The following is an entry in ClinVar:

ClinVar aggregate classification (germline): Uncertain significance (1 of 4 stars; one submission).

Conditions:
PPP1R21-related disorder. Also called: PPP1R21-related condition.

gnomAD v4.1: 1 of 1,550,700 alleles (0.000064%); highest among the groups gnomAD compares: South Asian, 0.0012%; no homozygotes.

Submission:

PreventionGenetics, part of Exact Sciences
Classification: Uncertain significance for PPP1R21-related condition. Last evaluated: 2025-08-19. Review status: criteria provided, single submitter. Criteria: ACMG Guidelines, 2015. Collection method: clinical testing. Allele origin: germline.
Comment: The PPP1R21 c.1951A>G variant is predicted to result in the amino acid substitution p.Arg651Gly. To our knowledge, this variant has not been reported in the literature. This variant is reported in 0.0044% of alleles in individuals of South Asian descent in gnomAD. At this time, the clinical significance of this variant is uncertain due to the absence of conclusive functional and genetic evidence.

NM_001135629.3(PPP1R21):c.1951A>G (p.Arg651Gly)

Gene: PPP1R21 (protein phosphatase 1 regulatory subunit 21; plus strand). Cytogenetic location: 2p16.3.
Variant type: single nucleotide variant.
Coding change: c.1951A>G on transcript NM_001135629.3 (MANE Select); coding-DNA position 1951, A replaced by G.
Protein change: p.Arg651Gly; replaces arginine 651 with glycine.
Molecular consequence: missense variant. On other transcripts: non-coding transcript variant (1), intron variant (2).
Genome position (GRCh38, 1-based): chr2:48,505,579, A>G. VCF-style: chr2-48505579-A-G. GRCh37 (hg19) VCF-style: chr2-48732718-A-G.
Other names: c.1936-1690A>G (NM_152994.5); c.1843-1690A>G (NM_001193475.2); short protein forms R651G.
Identifiers: ClinVar variation 4994206 (VCV004994206.1).